The following is an entry in ClinVar:

ClinVar aggregate classification (germline): Pathogenic (1 of 4 stars; one submission).

Conditions:
Immunodeficiency 67. Also called: Immunodeficiency due to interleukin-1 receptor-associated kinase-4 deficiency. Identifiers: Orphanet 70592, MedGen C1843256, MONDO:0011888, OMIM 607676.

Submission:

Labcorp Genetics (formerly Invitae), Labcorp
Classification: Pathogenic for Immunodeficiency 67. Last evaluated: 2024-08-31. Review status: criteria provided, single submitter. Criteria: Invitae Variant Classification Sherloc (09022015). Collection method: clinical testing. Allele origin: germline.
Comment: This sequence change creates a premature translational stop signal (p.Pro266Glnfs*31) in the IRAK4 gene. It is expected to result in an absent or disrupted protein product. Loss-of-function variants in IRAK4 are known to be pathogenic (PMID: 17893200, 21057262). This variant is not present in population databases (gnomAD no frequency). This variant has not been reported in the literature in individuals affected with IRAK4-related conditions. For these reasons, this variant has been classified as Pathogenic.

Literature cited by the submitters: PubMed 17893200; PubMed 21057262.

NM_016123.4(IRAK4):c.797_798del (p.Pro266fs)

Gene: IRAK4 (interleukin 1 receptor associated kinase 4; plus strand). Cytogenetic location: 12q12.
Variant type: Deletion.
Coding change: c.797_798del on transcript NM_016123.4 (MANE Select); coding-DNA positions 797 to 798, 2 bases deleted (CT; older notation c.797_798delCT).
Protein change: p.Pro266fs; shifts the reading frame from proline 266.
Molecular consequence: frameshift variant.
Genome position (GRCh38, 1-based): chr12:43,777,710-43,777,711, CT deleted. VCF-style (leftmost placement, unchanged base first): chr12-43777709-CCT-C. GRCh37 (hg19) VCF-style: chr12-44171512-CCT-C.
Other names: c.797_798del, p.Pro266fs (NM_001114182.3, NM_001351345.2); c.425_426del, p.Pro142fs (NM_001145256.2, NM_001145257.2, NM_001145258.2 and 5 more transcripts); c.188_189del, p.Pro63fs (NM_001351343.2, NM_001351344.2); short protein forms P63fs, P142fs, P266fs.
Identifiers: ClinVar variation 3662862 (VCV003662862.2).